The following is an entry in ClinVar:

NM_003073.5(SMARCB1):c.214A>G (p.Thr72Ala)

Gene: SMARCB1 (SWI/SNF related BAF chromatin remodeling complex subunit B1; plus strand). Cytogenetic location: 22q11.23.
Variant type: single nucleotide variant.
Coding change: c.214A>G on transcript NM_003073.5 (MANE Select); coding-DNA position 214, A replaced by G.
Protein change: p.Thr72Ala; replaces threonine 72 with alanine.
Molecular consequence: missense variant. On other transcripts: intron variant (2).
Genome position (GRCh38, 1-based): chr22:23,791,876, A>G. VCF-style: chr22-23791876-A-G. GRCh37 (hg19) VCF-style: chr22-24134063-A-G.
Other names: c.214A>G, p.Thr72Ala (NM_001362877.2); c.205+9A>G (NM_001317946.2, NM_001007468.3); short protein forms T72A.
Identifiers: ClinVar variation 3703257 (VCV003703257.4).

ClinVar aggregate classification (germline): Uncertain significance. Review status: criteria provided, multiple submitters, no conflicts (2 of 4 stars). 2 submissions from 2 submitters: Uncertain significance (2). Last evaluated 2026-06-23.

Conditions:
Hereditary cancer-predisposing syndrome. Also called: Tumor predisposition; Hereditary neoplastic syndrome; Hereditary Cancer Syndrome; Neoplastic Syndromes, Hereditary. Identifiers: Orphanet 140162, MedGen C0027672, MeSH D009386, MONDO:0015356.

Submissions (2):

Ambry Genetics
Classification: Uncertain significance for Hereditary cancer-predisposing syndrome. Last evaluated: 2026-06-23. Review status: criteria provided, single submitter. Criteria: Ambry Variant Classification Scheme 2023. Collection method: clinical testing. Allele origin: germline.

Labcorp Genetics (formerly Invitae), Labcorp
Classification: Uncertain significance. Last evaluated: 2025-02-24. Review status: criteria provided, single submitter. Criteria: Invitae Variant Classification Sherloc (09022015). Collection method: clinical testing. Allele origin: germline.
Comment: This sequence change replaces threonine, which is neutral and polar, with alanine, which is neutral and non-polar, at codon 72 of the SMARCB1 protein (p.Thr72Ala). This variant is not present in population databases (gnomAD no frequency). This variant has not been reported in the literature in individuals affected with SMARCB1-related conditions. An algorithm developed to predict the effect of missense changes on protein structure and function (PolyPhen-2) suggests that this variant is likely to be tolerated. In summary, the available evidence is currently insufficient to determine the role of this variant in disease. Therefore, it has been classified as a Variant of Uncertain Significance.